The following is an entry in ClinVar:

ClinVar aggregate classification (germline): Pathogenic (1 of 4 stars; one submission).

Conditions:
Wilson disease (WND). Also called: Wilson's disease. Identifiers: Orphanet 905, MedGen C0019202, MONDO:0010200, OMIM 277900. Disease mechanism: loss of function.

Submission:

Myriad Genetics, Inc.
Classification: Pathogenic for Wilson disease. Last evaluated: 2023-09-27. Review status: criteria provided, single submitter. Criteria: Myriad Autosomal Dominant, Autosomal Recessive and X-Linked Classification Criteria (2023). Collection method: clinical testing. Allele origin: unknown.
Comment: NM_000053.3(ATP7B):c.3707dupT(N1237Qfs*22) is expected to be pathogenic in the context of Wilson disease. This variant is predicted to lead to an abnormal or absent protein product due to the creation of a premature termination codon in ATP7B, a gene where loss-of-function variants are known to be pathogenic. Please note: this variant was assessed in the context of healthy population screening.

NM_000053.4(ATP7B):c.3707dup (p.Asn1237fs)

Gene: ATP7B (ATPase copper transporting beta; minus strand). Cytogenetic location: 13q14.3.
Variant type: Duplication.
Coding change: c.3707dup on transcript NM_000053.4 (MANE Select); coding-DNA position 3707, one base duplicated (T; older notation c.3707dupT).
Protein change: p.Asn1237fs; shifts the reading frame from asparagine 1237.
Molecular consequence: frameshift variant. On other transcripts: intron variant (1).
Genome position (GRCh38, 1-based): chr13:51,937,672, A duplicated on the plus strand (T on the coding strand, the reverse complement: ATP7B is on the minus strand). VCF-style (leftmost placement, unchanged base first): chr13-51937671-G-GA. GRCh37 (hg19) VCF-style: chr13-52511807-G-GA.
Other names: c.3086dup, p.Asn1030fs (NM_001005918.3); c.3374dup, p.Asn1126fs (NM_001243182.2); c.3473dup, p.Asn1159fs (NM_001330578.2, NM_001406527.1, NM_001406528.1); c.3455dup, p.Asn1153fs (NM_001330579.2, NM_001406531.1, NM_001406532.1); c.3707dup, p.Asn1237fs (NM_001406511.1, NM_001406512.1); c.3701dup, p.Asn1235fs (NM_001406513.1); c.3674dup, p.Asn1226fs (NM_001406514.1); c.3653dup, p.Asn1219fs (NM_001406515.1, NM_001406516.1); and 21 more; short protein forms N1010fs, N1021fs, N1030fs, N1043fs, N1073fs, N1075fs, N1088fs, N1094fs.
Identifiers: ClinVar variation 5012080 (VCV005012080.1).
Genomic context (GRCh38, chr13:51,937,671, plus strand): 5'-CTGGAGCTCCTGGACCTTGGCCACCTTGTGCGAAGGCAGCACCTCTGCAAAGACTTTGTT[G>GA]ATGCCAACCTAAGACAAAAGGAAGGCAATGCCTAGTGTTGGCAAAAGGTATCAGATAGCA-3'